The following is an entry in ClinVar:

NM_016203.4(PRKAG2):c.466+45238C>T

Gene: PRKAG2 (protein kinase AMP-activated non-catalytic subunit gamma 2; minus strand). Cytogenetic location: 7q36.1.
Variant type: single nucleotide variant.
Coding change: c.466+45238C>T on transcript NM_016203.4 (MANE Select); 45238 bases into the intron after coding-DNA position 466, C replaced by T.
Molecular consequence: intron variant. On other transcripts: missense variant (5), 5 prime UTR variant (1).
Genome position (GRCh38, 1-based): chr7:151,735,914, G>A on the plus strand (C>T on the coding strand, the complement: PRKAG2 is on the minus strand). VCF-style: chr7-151735914-G-A. GRCh37 (hg19) VCF-style: chr7-151433000-G-A.
Other names: c.80C>T, p.Pro27Leu (NM_001304527.2, NM_001363698.2, NM_001407028.1 and 2 more transcripts); c.-3C>T (NM_001407038.1); c.466+45238C>T (NM_001407031.1, NM_001407030.1, NM_001407023.1 and 2 more transcripts); c.149-60277C>T (NM_001407032.1); c.334+45238C>T (NM_001407026.1, NM_001040633.2, NM_001407027.1 and 1 more transcripts); c.360+45212C>T (NM_001407033.1); short protein forms P27L.
Identifiers: ClinVar variation 4985598 (VCV004985598.1).

ClinVar aggregate classification (germline): Uncertain significance (1 of 4 stars; one submission).

Conditions:
PRKAG2-related disorder. Also called: PRKAG2-related condition; PRKAG2-related disorders.

gnomAD v4.1: 56 of 1,536,326 alleles (0.0036%); highest among the groups gnomAD compares: Non-Finnish European, 0.0048%; no homozygotes.

Submission:

PreventionGenetics, part of Exact Sciences
Classification: Uncertain significance for PRKAG2-related condition. Last evaluated: 2026-08-18. Review status: criteria provided, single submitter. Criteria: ACMG Guidelines, 2015. Collection method: clinical testing. Allele origin: germline.
Comment: The PRKAG2 c.80C>T variant is predicted to result in the amino acid substitution p.Pro27Leu. To our knowledge, this variant has not been reported in the literature. This variant is reported in 0.0018% of alleles in individuals of European (Non-Finnish) descent in gnomAD. At this time, the clinical significance of this variant is uncertain due to the absence of conclusive functional and genetic evidence.